The following is an entry in ClinVar:

NM_133433.4(NIPBL):c.4041A>G (p.Thr1347=)

Gene: NIPBL (NIPBL cohesin loading factor; plus strand). Cytogenetic location: 5p13.2.
Variant type: single nucleotide variant.
Coding change: c.4041A>G on transcript NM_133433.4 (MANE Select); coding-DNA position 4041, A replaced by G.
Protein change: p.Thr1347=; no amino-acid change (threonine 1347 retained).
Molecular consequence: synonymous variant.
Genome position (GRCh38, 1-based): chr5:37,006,542, A>G. VCF-style: chr5-37006542-A-G. GRCh37 (hg19) VCF-style: chr5-37006644-A-G.
Other names: c.4041A>G, p.Thr1347= (NM_015384.5).
Identifiers: ClinVar variation 353379 (VCV000353379.6), dbSNP rs373206831, ClinGen allele CA3236483.

ClinVar aggregate classification (germline): Likely benign. Review status: criteria provided, multiple submitters, no conflicts (2 of 4 stars). 2 submissions from 2 submitters: Likely benign (2). Last evaluated 2021-09-06.

Conditions:
Cornelia de Lange syndrome 1 (CDLS1). Also called: TYPUS DEGENERATIVUS AMSTELODAMENSIS; NIPBL-Related Cornelia de Lange Syndrome; Brachmann de Lange syndrome. Identifiers: Orphanet 199, MedGen C4551851, MONDO:0007387, OMIM 122470.

Allele frequency attached by ClinVar (database versions not stated): TOPMed 0.00001; ExAC 0.00002; gnomAD exomes 0.00002.
gnomAD v4.1: 8 of 1,610,380 alleles (0.0005%); highest among the groups gnomAD compares: East Asian, 0.013%; no homozygotes.

Submissions (2):

Blueprint Genetics
Classification: Likely benign. Last evaluated: 2021-09-06. Review status: criteria provided, single submitter. Criteria: ACMG Guidelines, 2015. Collection method: clinical testing. Allele origin: germline.

Illumina Laboratory Services, Illumina
Classification: Likely benign for Cornelia de Lange syndrome 1. Last evaluated: 2018-01-13. Review status: criteria provided, single submitter. Criteria: ICSL Variant Classification Criteria 13 December 2019. Collection method: clinical testing. Allele origin: germline.
Comment: This variant was observed in the ICSL laboratory as part of a predisposition screen in an ostensibly healthy population. It had not been previously curated by ICSL or reported in the Human Gene Mutation Database (HGMD: prior to June 1st, 2018), and was therefore a candidate for classification through an automated scoring system. Utilizing variant allele frequency, disease prevalence and penetrance estimates, and inheritance mode, an automated score was calculated to assess if this variant is too frequent to cause the disease. Based on the score and internal cut-off values, a variant classified as likely benign is not then subjected to further curation. The score for this variant resulted in a classification of likely benign for this disease.